The following is an entry in ClinVar:

NM_001329943.3(KIAA0586):c.4496-3814G>A

Gene: KIAA0586 (KIAA0586; plus strand). Cytogenetic location: 14q23.1.
Variant type: single nucleotide variant.
Coding change: c.4496-3814G>A on transcript NM_001329943.3 (MANE Select); 3814 bases into the intron before coding-DNA position 4496, G replaced by A.
Molecular consequence: intron variant. On other transcripts: missense variant (2).
Genome position (GRCh38, 1-based): chr14:58,543,967, G>A. VCF-style: chr14-58543967-G-A. GRCh37 (hg19) VCF-style: chr14-59010685-G-A.
Other names: c.4739G>A, p.Arg1580Lys (NM_001244189.2); c.4580G>A, p.Arg1527Lys (NM_001329944.2); c.4451-3814G>A (NM_001244190.2); c.4364-3814G>A (NM_001244192.2, NM_001329947.2); c.4241-3814G>A (NM_001244191.2, NM_001364701.2); c.4430-3814G>A (NM_001329946.2); c.4268-3814G>A (NM_014749.5); c.4175-3814G>A (NM_001329945.2); short protein forms R1580K, R1527K.
Identifiers: ClinVar variation 1428965 (VCV001428965.6), dbSNP rs2140128786, ClinGen allele CA390059202.

ClinVar aggregate classification (germline): Uncertain significance (1 of 4 stars; one submission).

Conditions:
Joubert syndrome 23 (JBTS23). Identifiers: Orphanet 475, MedGen C4084822, MONDO:0014664, OMIM 616490.
Short-rib thoracic dysplasia 14 with polydactyly (SRTD14). Identifiers: Orphanet 397715, MedGen C4225286, MONDO:0014688, OMIM 616546.

Submission:

Labcorp Genetics (formerly Invitae), Labcorp
Classification: Uncertain significance for Joubert syndrome 23; Short-rib thoracic dysplasia 14 with polydactyly. Last evaluated: 2022-11-22. Review status: criteria provided, single submitter. Criteria: Invitae Variant Classification Sherloc (09022015). Collection method: clinical testing. Allele origin: germline.
Comment: In summary, the available evidence is currently insufficient to determine the role of this variant in disease. Therefore, it has been classified as a Variant of Uncertain Significance. Variants that disrupt the consensus splice site are a relatively common cause of aberrant splicing (PMID: 17576681, 9536098). Algorithms developed to predict the effect of missense changes on protein structure and function (SIFT, PolyPhen-2, Align-GVGD) all suggest that this variant is likely to be tolerated. ClinVar contains an entry for this variant (Variation ID: 1428965). This variant has not been reported in the literature in individuals affected with KIAA0586-related conditions. This sequence change affects codon 1580 of the KIAA0586 mRNA. It is a 'silent' change, meaning that it does not change the encoded amino acid sequence of the KIAA0586 protein. This variant also falls at the last nucleotide of exon 33, which is part of the consensus splice site for this exon. This variant is not present in population databases (gnomAD no frequency).

Literature cited by the submitters: PubMed 17576681; PubMed 9536098.